The following is an entry in ClinVar:

ClinVar aggregate classification (germline): Pathogenic (1 of 4 stars; one submission).

Conditions:
Hereditary cancer-predisposing syndrome. Also called: Neoplastic Syndromes, Hereditary; Tumor predisposition; Hereditary neoplastic syndrome; Hereditary Cancer Syndrome. Identifiers: Orphanet 140162, MedGen C0027672, MeSH D009386, MONDO:0015356.

Submission:

Ambry Genetics
Classification: Pathogenic for Hereditary cancer-predisposing syndrome. Last evaluated: 2026-06-16. Review status: criteria provided, single submitter. Criteria: Ambry Variant Classification Scheme 2023. Collection method: clinical testing. Allele origin: germline.
Comment: The c.389delA pathogenic mutation, located in coding exon 5 of the SDHC gene, results from a deletion of one nucleotide at nucleotide position 389, causing a translational frameshift with a predicted alternate stop codon (p.N130Mfs*6). This variant occurs at the 3' terminus of the gene, is not expected to trigger nonsense-mediated mRNA decay, and impacts the last 23% of the protein. However, premature stop codons are typically deleterious in nature, the impacted region is critical for protein function and a significant portion of the protein is affected (Ambry internal data). This variant is considered to be rare based on population cohorts in the Genome Aggregation Database (gnomAD). Based on the supporting evidence, this variant is interpreted as a disease-causing mutation.

NM_003001.5(SDHC):c.389del (p.Asn130fs)

Gene: SDHC (succinate dehydrogenase complex subunit C; plus strand). Cytogenetic location: 1q23.3.
Variant type: Deletion.
Coding change: c.389del on transcript NM_003001.5 (MANE Select); coding-DNA position 389, one base deleted (A; older notation c.389delA).
Protein change: p.Asn130fs; shifts the reading frame from asparagine 130.
Molecular consequence: frameshift variant. On other transcripts: non-coding transcript variant (1), intron variant (3).
Genome position (GRCh38, 1-based): chr1:161,356,824, A deleted; the last of 2 consecutive A bases (chr1:161,356,823-161,356,824); deleting either gives the same sequence. VCF-style (leftmost placement, unchanged base first): chr1-161356822-GA-G. GRCh37 (hg19) VCF-style: chr1-161326612-GA-G.
Other names: c.287del, p.Asn96fs (NM_001035512.3); c.230del, p.Asn77fs (NM_001035513.3); c.509del, p.Asn170fs (NM_001407115.1); c.332del, p.Asn111fs (NM_001407116.1); c.326del, p.Asn109fs (NM_001407117.1); c.281del, p.Asn94fs (NM_001407118.1); c.278del, p.Asn93fs (NM_001407119.1, NM_001407120.1); c.242-5505del (NM_001035511.3); and 2 more; short protein forms N170fs, N96fs, N111fs, N130fs, N109fs, N93fs, N94fs, N77fs.
Identifiers: ClinVar variation 5029295 (VCV005029295.1).